The following is an entry in ClinVar:

ClinVar aggregate classification (germline): Uncertain significance (1 of 4 stars; one submission).

Conditions:
Arrhythmogenic right ventricular cardiomyopathy (ARVD). Also called: Arrhythmogenic right ventricular dysplasia; Cardiomyopathy, ARVC; Arrhythmogenic cardiomyopathy; Arrhythmogenic Right Ventricular Cardiomyopathy (ARVC). Identifiers: Orphanet 247, MedGen C0349788, MeSH D019571, MONDO:0016587. Disease mechanism: loss of function. Inheritance: Various modes of inheritance.

Submission:

All of Us Research Program, National Institutes of Health
Classification: Uncertain significance for Arrhythmogenic right ventricular cardiomyopathy. Last evaluated: 2023-02-24. Review status: criteria provided, single submitter. Criteria: ACMG Guidelines, 2015. Collection method: clinical testing. Allele origin: germline. Inheritance: Autosomal dominant inheritance. Observed: 1 variant allele, 1 heterozygote.
Comment: This missense variant replaces asparagine with tyrosine at codon 755 of the PKP2 protein. Computational prediction is inconclusive regarding the impact of this variant on protein structure and function (internally defined REVEL score threshold 0.5 < inconclusive < 0.7, PMID: 27666373). To our knowledge, functional studies have not been reported for this variant. This variant has not been reported in individuals affected with PKP2-related disorders in the literature. This variant has not been identified in the general population by the Genome Aggregation Database (gnomAD). The available evidence is insufficient to determine the role of this variant in disease conclusively. Therefore, this variant is classified as a Variant of Uncertain Significance.

This study involves interpretation of variants in research participants for the purpose of population health screening. Participant phenotype was not available at the time of variant classification. Additional details can be found in publication PMID: 35346344, PMCID: PMC8962531

NM_001005242.3(PKP2):c.2131A>T (p.Asn711Tyr)

Gene: PKP2 (plakophilin 2; minus strand). Cytogenetic location: 12p11.21.
Variant type: single nucleotide variant.
Coding change: c.2131A>T on transcript NM_001005242.3 (MANE Select); coding-DNA position 2131, A replaced by T.
Protein change: p.Asn711Tyr; replaces asparagine 711 with tyrosine.
Molecular consequence: missense variant.
Genome position (GRCh38, 1-based): chr12:32,802,439, T>A on the plus strand (A>T on the coding strand, the complement: PKP2 is on the minus strand). VCF-style: chr12-32802439-T-A. GRCh37 (hg19) VCF-style: chr12-32955373-T-A.
Other names: c.1804A>T, p.Asn602Tyr (NM_001407159.1, NM_001407160.1, NM_001407158.1); c.2263A>T, p.Asn755Tyr (NM_004572.4); c.2131A>T, p.Asn711Tyr (NM_001407155.1); c.1966A>T, p.Asn656Tyr (NM_001407156.1); short protein forms N602Y, N656Y, N711Y, N755Y.
Identifiers: ClinVar variation 3069609 (VCV003069609.1), dbSNP rs2541200508, ClinGen allele CA384359397.